The following is an entry in ClinVar:

ClinVar aggregate classification (germline): Uncertain significance (1 of 4 stars; one submission).

Conditions:
Early-infantile DEE. Also called: Early infantile epileptic encephalopathy; Early infantile epileptic encephalopathy with suppression bursts; Ohtahara syndrome. Identifiers: Orphanet 1934, MedGen C0393706, MONDO:0800491.

Submission:

Labcorp Genetics (formerly Invitae), Labcorp
Classification: Uncertain significance for Early-infantile DEE. Last evaluated: 2024-06-24. Review status: criteria provided, single submitter. Criteria: Invitae Variant Classification Sherloc (09022015). Collection method: clinical testing. Allele origin: germline.
Comment: This sequence change replaces serine, which is neutral and polar, with asparagine, which is neutral and polar, at codon 2164 of the SPTAN1 protein (p.Ser2164Asn). This variant is not present in population databases (gnomAD no frequency). This variant has not been reported in the literature in individuals affected with SPTAN1-related conditions. Advanced modeling of protein sequence and biophysical properties (such as structural, functional, and spatial information, amino acid conservation, physicochemical variation, residue mobility, and thermodynamic stability) has been performed at Invitae for this missense variant, however the output from this modeling did not meet the statistical confidence thresholds required to predict the impact of this variant on SPTAN1 protein function. In summary, the available evidence is currently insufficient to determine the role of this variant in disease. Therefore, it has been classified as a Variant of Uncertain Significance.

NM_001130438.3(SPTAN1):c.6491G>A (p.Ser2164Asn)

Gene: SPTAN1 (spectrin alpha, non-erythrocytic 1; plus strand). Cytogenetic location: 9q34.11.
Variant type: single nucleotide variant.
Coding change: c.6491G>A on transcript NM_001130438.3 (MANE Select); coding-DNA position 6491, G replaced by A.
Protein change: p.Ser2164Asn; replaces serine 2164 with asparagine.
Molecular consequence: missense variant.
Genome position (GRCh38, 1-based): chr9:128,626,602, G>A. VCF-style: chr9-128626602-G-A. GRCh37 (hg19) VCF-style: chr9-131388881-G-A.
Other names: c.6491G>A, p.Ser2164Asn (NM_001375313.1, NM_001363759.2, NM_001375310.1 and 1 more transcripts); c.6431G>A, p.Ser2144Asn (NM_001375314.2, NM_001363765.2); c.6527G>A, p.Ser2176Asn (NM_001375318.1, NM_001375312.2); c.6476G>A, p.Ser2159Asn (NM_003127.4); c.6416G>A, p.Ser2139Asn (NM_001195532.2); short protein forms S2164N, S2159N, S2176N, S2139N, S2144N.
Identifiers: ClinVar variation 2815130 (VCV002815130.3), dbSNP rs1858783158, ClinGen allele CA375089343.